The following is an entry in ClinVar:

NM_020975.6(RET):c.2493C>G (p.Gly831=)

Gene: RET (ret proto-oncogene; plus strand). Cytogenetic location: 10q11.21.
Variant type: single nucleotide variant.
Coding change: c.2493C>G on transcript NM_020975.6 (MANE Select); coding-DNA position 2493, C replaced by G.
Protein change: p.Gly831=; no amino-acid change (glycine 831 retained).
Molecular consequence: synonymous variant.
Genome position (GRCh38, 1-based): chr10:43,119,631, C>G. VCF-style: chr10-43119631-C-G. GRCh37 (hg19) VCF-style: chr10-43615079-C-G.
Other names: c.1731C>G, p.Gly577= (NM_001355216.2); c.2493C>G, p.Gly831= (NM_001406743.1, NM_001406744.1, NM_001406759.1 and 2 more transcripts); c.2364C>G, p.Gly788= (NM_001406761.1, NM_001406762.1, NM_001406764.1); c.2358C>G, p.Gly786= (NM_001406763.1, NM_001406765.1); c.2205C>G, p.Gly735= (NM_001406766.1, NM_001406767.1, NM_001406770.1); c.2229C>G, p.Gly743= (NM_001406768.1); c.2097C>G, p.Gly699= (NM_001406769.1, NM_001406772.1); c.2055C>G, p.Gly685= (NM_001406771.1, NM_001406773.1); and 10 more.
Identifiers: ClinVar variation 3904549 (VCV003904549.1).
Genomic context (GRCh38, chr10:43,119,631, plus strand): 5'-CCTGCGGGGCTTCCTCCGCGAGAGCCGCAAAGTGGGGCCTGGCTACCTGGGCAGTGGAGG[C>G]AGCCGCAACTCCAGCTCCCTGGACCACCCGGATGAGCGGGCCCTCACCATGGGCGACCTC-3'
Protein context (NP_066124.1, residues 821-841): KVGPGYLGSG[Gly831=]SRNSSSLDHP

ClinVar aggregate classification (germline): Benign (1 of 4 stars; one submission).

Conditions:
Multiple endocrine neoplasia type 2A. Also called: Multiple Endocrine Neoplasia Type 2A (MEN2A); MULTIPLE ENDOCRINE NEOPLASIA, TYPE IIA; PTC SYNDROME; SIPPLE SYNDROME; MEN 2A; MEN-2A syndrome. Identifiers: Orphanet 247698, Orphanet 653, MedGen C0025268, MeSH D018813, MONDO:0008234, OMIM 171400.

Submission:

Myriad Genetics, Inc.
Classification: Benign for Multiple endocrine neoplasia type 2A. Last evaluated: 2025-02-27. Review status: criteria provided, single submitter. Criteria: Myriad Autosomal Dominant, Autosomal Recessive and X-Linked Classification Criteria (2023). Collection method: clinical testing. Allele origin: unknown.
Comment: This variant is considered benign. This variant is a silent/synonymous amino acid change and it is not expected to impact splicing.